The following is an entry in ClinVar:

NM_003900.5(SQSTM1):c.46G>A (p.Ala16Thr)

Gene: SQSTM1 (sequestosome 1; plus strand). Cytogenetic location: 5q35.3.
Variant type: single nucleotide variant.
Coding change: c.46G>A on transcript NM_003900.5 (MANE Select); coding-DNA position 46, G replaced by A.
Protein change: p.Ala16Thr; replaces alanine 16 with threonine.
Molecular consequence: missense variant. On other transcripts: intron variant (2).
Genome position (GRCh38, 1-based): chr5:179,820,982, G>A. VCF-style: chr5-179820982-G-A. GRCh37 (hg19) VCF-style: chr5-179247982-G-A.
Other names: c.-47-1976G>A (NM_001142298.2, NM_001142299.2); short protein forms A16T.
Identifiers: ClinVar variation 423540 (VCV000423540.12), dbSNP rs773552098, ClinGen allele CA16618192.

ClinVar aggregate classification (germline): Uncertain significance. Review status: criteria provided, multiple submitters, no conflicts (2 of 4 stars). 5 submissions from 5 submitters: Uncertain significance (5). Last evaluated 2025-06-22.

Conditions:
SQSTM1-related disorder. Also called: SQSTM1-Related Disorders.
Paget disease of bone 2, early-onset (PDB2). Also called: Paget disease of bone 2. Identifiers: MedGen C4085251, MONDO:0011183, OMIM 602080.
Frontotemporal dementia and/or amyotrophic lateral sclerosis 1 (FTDALS1). Also called: C9orf72 Frontotemporal Dementia and/or Amyotrophic Lateral Sclerosis; Frontotemporal dementia with motor neuron disease 1. Identifiers: Orphanet 275872, MedGen C5779877, MONDO:0007105, OMIM 105550.
Inborn genetic diseases. Identifiers: MedGen C0950123, MeSH D030342.

Allele frequency attached by ClinVar (database versions not stated): gnomAD 0.00001; TOPMed 0.00002.
gnomAD v4.1: 11 of 1,574,758 alleles (0.0007%); highest among the groups gnomAD compares: Non-Finnish European, 0.00094%; no homozygotes.

Submissions (5):

Labcorp Genetics (formerly Invitae), Labcorp
Classification: Uncertain significance for Paget disease of bone 2, early-onset; Frontotemporal dementia and/or amyotrophic lateral sclerosis 1. Last evaluated: 2025-06-22. Review status: criteria provided, single submitter. Criteria: Invitae Variant Classification Sherloc (09022015). Collection method: clinical testing. Allele origin: germline.
Comment: This sequence change replaces alanine, which is neutral and non-polar, with threonine, which is neutral and polar, at codon 16 of the SQSTM1 protein (p.Ala16Thr). The frequency data for this variant in the population databases is considered unreliable, as metrics indicate poor data quality at this position in the gnomAD database. This variant has not been reported in the literature in individuals affected with SQSTM1-related conditions. ClinVar contains an entry for this variant (Variation ID: 423540). Invitae Evidence Modeling of protein sequence and biophysical properties (such as structural, functional, and spatial information, amino acid conservation, physicochemical variation, residue mobility, and thermodynamic stability) indicates that this missense variant is not expected to disrupt SQSTM1 protein function with a negative predictive value of 80%. In summary, the available evidence is currently insufficient to determine the role of this variant in disease. Therefore, it has been classified as a Variant of Uncertain Significance.

PreventionGenetics, part of Exact Sciences
Classification: Uncertain significance for SQSTM1-related condition. Last evaluated: 2025-04-17. Review status: criteria provided, single submitter. Criteria: ACMG Guidelines, 2015. Collection method: clinical testing. Allele origin: germline.
Comment: The SQSTM1 c.46G>A variant is predicted to result in the amino acid substitution p.Ala16Thr. To our knowledge, this variant has not been reported in the literature. This variant is reported in 0.0022% of alleles in individuals of European (Non-Finnish) descent in gnomAD. At this time, the clinical significance of this variant is uncertain due to the absence of conclusive functional and genetic evidence.

Ambry Genetics
Classification: Uncertain significance for Inborn genetic diseases. Last evaluated: 2022-03-16. Review status: criteria provided, single submitter. Criteria: Ambry Variant Classification Scheme 2023. Collection method: clinical testing. Allele origin: germline.

GeneDx
Classification: Uncertain significance. Last evaluated: 2019-04-12. Review status: criteria provided, single submitter. Criteria: GeneDx Variant Classification Process June 2021. Collection method: clinical testing. Allele origin: germline. Affected: yes.
Comment: Has not been previously published as pathogenic or benign to our knowledge; Not observed in large population cohorts (Lek et al., 2016); In silico analysis, which includes protein predictors and evolutionary conservation, supports that this variant does not alter protein structure/function

Athena Diagnostics
Classification: Uncertain significance. Last evaluated: 2018-11-19. Review status: criteria provided, single submitter. Criteria: Athena Diagnostics Criteria. Collection method: clinical testing. Allele origin: germline.